The following is an entry in ClinVar:

ClinVar aggregate classification (germline): Uncertain significance (1 of 4 stars; one submission).

Conditions:
Emery-Dreifuss muscular dystrophy 4, autosomal dominant (EDMD4). Also called: EMERY-DREIFUSS MUSCULAR DYSTROPHY 4 WITH VARIABLE FEATURES. Identifiers: Orphanet 261, MedGen C2751807, MONDO:0013071, OMIM 612998.
Autosomal recessive ataxia, Beauce type. Also called: Spinocerebellar ataxia, autosomal recessive 8; ATAXIA, RECESSIVE, OF BEAUCE; SYNE1 Deficiency; SYNE1-Related Autosomal Recessive Cerebellar Ataxia. Identifiers: Orphanet 88644, MedGen C1853116, MONDO:0012549, OMIM 610743.

Allele frequency attached by ClinVar (database versions not stated): gnomAD exomes below 0.00001 and 0.00001; ExAC 0.00001.
gnomAD v4.1: 3 of 1,614,088 alleles (0.00019%); highest among the groups gnomAD compares: Admixed American, 0.005%; no homozygotes.

Submission:

Labcorp Genetics (formerly Invitae), Labcorp
Classification: Uncertain significance for Emery-Dreifuss muscular dystrophy 4, autosomal dominant; Autosomal recessive ataxia, Beauce type. Last evaluated: 2023-08-10. Review status: criteria provided, single submitter. Criteria: Invitae Variant Classification Sherloc (09022015). Collection method: clinical testing. Allele origin: germline.
Comment: In summary, the available evidence is currently insufficient to determine the role of this variant in disease. Therefore, it has been classified as a Variant of Uncertain Significance. An algorithm developed to predict the effect of missense changes on protein structure and function (PolyPhen-2) suggests that this variant is likely to be disruptive. ClinVar contains an entry for this variant (Variation ID: 1061346). This variant has not been reported in the literature in individuals affected with SYNE1-related conditions. This variant is present in population databases (rs763067012, gnomAD 0.003%). This sequence change replaces glutamic acid, which is acidic and polar, with aspartic acid, which is acidic and polar, at codon 4093 of the SYNE1 protein (p.Glu4093Asp).

NM_182961.4(SYNE1):c.12492G>T (p.Glu4164Asp)

Gene: SYNE1 (spectrin repeat containing nuclear envelope protein 1; minus strand). Cytogenetic location: 6q25.2.
Variant type: single nucleotide variant.
Coding change: c.12492G>T on transcript NM_182961.4 (MANE Select); coding-DNA position 12492, G replaced by T.
Protein change: p.Glu4164Asp; replaces glutamic acid 4164 with aspartic acid.
Molecular consequence: missense variant.
Genome position (GRCh38, 1-based): chr6:152,336,877, C>A on the plus strand (G>T on the coding strand, the complement: SYNE1 is on the minus strand). VCF-style: chr6-152336877-C-A. GRCh37 (hg19) VCF-style: chr6-152658012-C-A.
Other names: c.12279G>T, p.Glu4093Asp (NM_033071.5); short protein forms E4093D, E4164D.
Identifiers: ClinVar variation 1061346 (VCV001061346.7), dbSNP rs763067012, ClinGen allele CA4056388.